The following is an entry in ClinVar:

NM_001127511.3(APC):c.-122T>G

Gene: APC (APC regulator of Wnt signaling pathway; plus strand). Cytogenetic location: 5q22.2.
Variant type: single nucleotide variant.
Coding change: c.-122T>G on transcript NM_001127511.3; 122 bases upstream of the start codon, T replaced by G.
Molecular consequence: 5 prime UTR variant. On other transcripts: non-coding transcript variant (2).
Genome position (GRCh38, 1-based): chr5:112,707,596, T>G. VCF-style: chr5-112707596-T-G. GRCh37 (hg19) VCF-style: chr5-112043293-T-G.
Other names: c.-305T>G (NM_001354895.2, NM_001407447.1, NM_001407452.1 and 3 more transcripts); c.-122T>G (NM_001354897.2, NM_001354902.2, NM_001407446.1); c.-72T>G (NM_001407448.1, NM_001407450.1, NM_001407457.1 and 1 more transcripts); c.-96T>G (NM_001407453.1); c.-1340T>G (NM_001407470.1, NM_001407472.1).
Identifiers: ClinVar variation 1390962 (VCV001390962.8), dbSNP rs1750585734, ClinGen allele CA1573442512.

ClinVar aggregate classification (germline): Uncertain significance (1 of 4 stars; one submission).

Conditions:
Familial adenomatous polyposis 1 (FAP1). Also called: FAMILIAL ADENOMATOUS POLYPOSIS 1, ATTENUATED; POLYPOSIS, ADENOMATOUS INTESTINAL. Identifiers: MedGen C2713442, MONDO:0021056, OMIM 175100. Disease mechanism: loss of function.

Allele frequency attached by ClinVar (database versions not stated): TOPMed below 0.00001.

Submission:

Labcorp Genetics (formerly Invitae), Labcorp
Classification: Uncertain significance for Familial adenomatous polyposis 1. Last evaluated: 2024-04-17. Review status: criteria provided, single submitter. Criteria: Invitae Variant Classification Sherloc (09022015). Collection method: clinical testing. Allele origin: germline.
Comment: This variant occurs in a non-coding region of the APC gene. It does not change the encoded amino acid sequence of the APC protein. The frequency data for this variant in the population databases is considered unreliable, as metrics indicate insufficient coverage at this position in the gnomAD database. This variant has not been reported in the literature in individuals affected with APC-related conditions. Experimental studies and prediction algorithms are not available or were not evaluated, and the functional significance of this variant is currently unknown. In summary, the available evidence is currently insufficient to determine the role of this variant in disease. Therefore, it has been classified as a Variant of Uncertain Significance.